The following is an entry in ClinVar:

ClinVar aggregate classification (germline): Pathogenic (1 of 4 stars; one submission).

Conditions:
Hereditary nonpolyposis colorectal neoplasms. Identifiers: MedGen C0009405, MeSH D003123.

Submission:

Labcorp Genetics (formerly Invitae), Labcorp
Classification: Pathogenic for Hereditary nonpolyposis colorectal neoplasms. Last evaluated: 2023-05-06. Review status: criteria provided, single submitter. Criteria: Invitae Variant Classification Sherloc (09022015). Collection method: clinical testing. Allele origin: germline.
Comment: For these reasons, this variant has been classified as Pathogenic. This variant has not been reported in the literature in individuals affected with MSH6-related conditions. This variant is not present in population databases (gnomAD no frequency). This sequence change creates a premature translational stop signal (p.Lys833Glufs*13) in the MSH6 gene. It is expected to result in an absent or disrupted protein product. Loss-of-function variants in MSH6 are known to be pathogenic (PMID: 18269114, 24362816).

Literature cited by the submitters: PubMed 18269114; PubMed 24362816.

NM_000179.3(MSH6):c.2497_2498del (p.Lys833fs)

Gene: MSH6 (mutS homolog 6; plus strand). Cytogenetic location: 2p16.3.
Variant type: Deletion.
Coding change: c.2497_2498del on transcript NM_000179.3 (MANE Select); coding-DNA positions 2497 to 2498, 2 bases deleted (AA; older notation c.2497_2498delAA).
Protein change: p.Lys833fs; shifts the reading frame from lysine 833.
Molecular consequence: frameshift variant. On other transcripts: non-coding transcript variant (5), intron variant (3).
Genome position (GRCh38, 1-based): chr2:47,800,480-47,800,481, AA deleted. VCF-style (leftmost placement, unchanged base first): chr2-47800479-GAA-G. GRCh37 (hg19) VCF-style: chr2-48027618-GAA-G.
Other names: c.1591_1592del, p.Lys531fs (NM_001281494.2, NM_001406816.1, NM_001406829.1 and 6 more transcripts); c.2593_2594del, p.Lys865fs (NM_001406795.1, NM_001406802.1); c.2200_2201del, p.Lys734fs (NM_001406828.1, NM_001406830.1, NM_001406797.1 and 10 more transcripts); c.2497_2498del, p.Lys833fs (NM_001406796.1, NM_001406808.1, NM_001406809.1 and 2 more transcripts); c.2308+189_2308+190del (NM_001406803.1); c.1606+891_1606+892del (NM_001406817.1); c.628-186_628-185del (NM_001407362.1); c.2503_2504del, p.Lys835fs (NM_001406813.1); and 4 more; short protein forms K833fs, K835fs, K777fs, K531fs, K703fs, K865fs, K658fs, K734fs.
Identifiers: ClinVar variation 2862371 (VCV002862371.3), dbSNP rs2530676094, ClinGen allele CA2739274370.